The following is an entry in ClinVar:

NM_006031.6(PCNT):c.3830_3831dup (p.Ser1278fs)

Gene: PCNT (pericentrin; plus strand). Cytogenetic location: 21q22.3.
Variant type: Duplication.
Coding change: c.3830_3831dup on transcript NM_006031.6 (MANE Select); coding-DNA positions 3830 to 3831, 2 bases duplicated (CC; older notation c.3830_3831dupCC).
Protein change: p.Ser1278fs; shifts the reading frame from serine 1278.
Molecular consequence: frameshift variant.
Genome position (GRCh38, 1-based): chr21:46,389,421-46,389,422, CC duplicated. VCF-style (leftmost placement, unchanged base first): chr21-46389420-T-TCC. GRCh37 (hg19) VCF-style: chr21-47809335-T-TCC.
Other names: c.3476_3477dup, p.Ser1160fs (NM_001315529.2); short protein forms S1160fs, S1278fs.
Identifiers: ClinVar variation 2850095 (VCV002850095.3), dbSNP rs2518529916, ClinGen allele CA2739266359.

ClinVar aggregate classification (germline): Pathogenic (1 of 4 stars; one submission).

Submission:

Labcorp Genetics (formerly Invitae), Labcorp
Classification: Pathogenic. Last evaluated: 2023-03-27. Review status: criteria provided, single submitter. Criteria: Invitae Variant Classification Sherloc (09022015). Collection method: clinical testing. Allele origin: germline.
Comment: For these reasons, this variant has been classified as Pathogenic. This variant has not been reported in the literature in individuals affected with PCNT-related conditions. This variant is not present in population databases (gnomAD no frequency). This sequence change creates a premature translational stop signal (p.Ser1278Profs*40) in the PCNT gene. It is expected to result in an absent or disrupted protein product. Loss-of-function variants in PCNT are known to be pathogenic (PMID: 18174396, 22821869).

Literature cited by the submitters: PubMed 18174396; PubMed 22821869.